The following is an entry in ClinVar:

NM_000038.6(APC):c.4592dup (p.Asn1531fs)

Gene: APC (APC regulator of Wnt signaling pathway; plus strand). Cytogenetic location: 5q22.2.
Variant type: Duplication.
Coding change: c.4592dup on transcript NM_000038.6 (MANE Select); coding-DNA position 4592, one base duplicated (A; older notation c.4592dupA).
Protein change: p.Asn1531fs; shifts the reading frame from asparagine 1531.
Molecular consequence: frameshift variant.
Genome position (GRCh38, 1-based): chr5:112,840,186, A duplicated; the last of 4 consecutive A bases (chr5:112,840,183-112,840,186); duplicating any one gives the same sequence. VCF-style (leftmost placement, unchanged base first): chr5-112840182-G-GA. GRCh37 (hg19) VCF-style: chr5-112175879-G-GA.
Other names: c.4592dup, p.Asn1531fs (NM_001127510.3, NM_001354895.2); c.4538dup, p.Asn1513fs (NM_001127511.3); c.4646dup, p.Asn1549fs (NM_001354896.2); c.4622dup, p.Asn1541fs (NM_001354897.2); c.4517dup, p.Asn1506fs (NM_001354898.2); c.4508dup, p.Asn1503fs (NM_001354899.2); c.4469dup, p.Asn1490fs (NM_001354900.2); c.4415dup, p.Asn1472fs (NM_001354901.2); and 5 more; short protein forms N1248fs, N1371fs, N1472fs, N1490fs, N1531fs, N1549fs, N1430fs, N1440fs.
Identifiers: ClinVar variation 956937 (VCV000956937.11), dbSNP rs1765716533, ClinGen allele CA446206608.
Genomic context (GRCh38, chr5:112,840,182, plus strand): 5'-AGCCTCGATGAGCCATTTATACAGAAAGATGTGGAATTAAGAATAATGCCTCCAGTTCAG[G>GA]AAAATGACAATGGGAATGAAACAGAATCAGAGCAGCCTAAAGAATCAAATGAAAACCAAG-3'

ClinVar aggregate classification (germline): Pathogenic (1 of 4 stars; one submission).

Conditions:
Familial adenomatous polyposis 1 (FAP1). Also called: FAMILIAL ADENOMATOUS POLYPOSIS 1, ATTENUATED; POLYPOSIS, ADENOMATOUS INTESTINAL. Identifiers: MedGen C2713442, MONDO:0021056, OMIM 175100. Disease mechanism: loss of function.

Submission:

Labcorp Genetics (formerly Invitae), Labcorp
Classification: Pathogenic for Familial adenomatous polyposis 1. Last evaluated: 2019-10-16. Review status: criteria provided, single submitter. Criteria: Invitae Variant Classification Sherloc (09022015). Collection method: clinical testing. Allele origin: germline.
Comment: This sequence change results in a premature translational stop signal in the APC gene (p.Asn1531Lysfs*2). While this is not anticipated to result in nonsense mediated decay, it is expected to disrupt the last 1313 amino acids of the APC protein. This variant is not present in population databases (ExAC no frequency). This variant has been observed in individuals with clinical features of familial adenomatous polyposis (PMID: 20685668, 11247896). This variant is also known as 4592insA in the literature. For these reasons, this variant has been classified as Pathogenic. A different truncation (p.Tyr2645Lysfs*14) that lies downstream of this variant has been determined to be pathogenic (PMID: 9824584, 1316610, 27081525, 8381579, 22135120, Invitae). This suggests that deletion of this region of the APC protein is causative of disease." This variant is expected to disrupt the EB1 and HDLG binding sites, which mediate interactions with the cytoskeleton (PMID: 15311282, 17293347). While functional studies have not been performed to directly test the effect on APC protein function, this suggests that disruption of the C-terminal portion of the protein is functionally important.

Literature cited by the submitters: PubMed 20685668; PubMed 11247896; PubMed 9824584; PubMed 1316610; PubMed 27081525; PubMed 8381579; PubMed 22135120; PubMed 15311282; PubMed 17293347.